The following is an entry in ClinVar:

ClinVar aggregate classification (germline): Conflicting classifications of pathogenicity. Review status: criteria provided, conflicting classifications (1 of 4 stars). 3 submissions from 2 submitters: Uncertain significance (2); Likely benign (1). Last evaluated 2024-09-20.

Conditions:
Lethal arthrogryposis-anterior horn cell disease syndrome (CAAHD). Also called: CONGENITAL ARTHROGRYPOSIS WITH ANTERIOR HORN CELL DISEASE. Identifiers: Orphanet 53696, MedGen C5193016, MONDO:0012750, OMIM 611890.
Lethal congenital contracture syndrome 1 (LCCS1). Also called: MULTIPLE CONTRACTURE SYNDROME, FINNISH TYPE. Identifiers: Orphanet 1486, MedGen C1854664, MONDO:0009670, OMIM 253310.

Allele frequency attached by ClinVar (database versions not stated): TOPMed 0.00005; ExAC 0.00006; gnomAD 0.00006; gnomAD exomes 0.00007; ESP Exome Variant Server 0.00008.
gnomAD v4.1: 45 of 1,312,234 alleles (0.0034%); highest among the groups gnomAD compares: East Asian, 0.062%; no homozygotes.

Submissions (3):

3billion
Classification: Likely benign for Lethal arthrogryposis-anterior horn cell disease syndrome; Lethal congenital contracture syndrome 1. Last evaluated: 2024-09-20. Review status: criteria provided, single submitter. Criteria: ACMG Guidelines, 2015. Collection method: clinical testing. Allele origin: germline. Affected: no.
Comment: The homozygous variant was found in patients diagnosed with another variant in a different gene, with no symptoms related to the gene containing the homozygous variant.

Illumina Laboratory Services, Illumina
Classification: Uncertain significance for Lethal arthrogryposis-anterior horn cell disease syndrome. Last evaluated: 2018-01-12. Review status: criteria provided, single submitter. Criteria: ICSL Variant Classification Criteria 13 December 2019. Collection method: clinical testing. Allele origin: germline.

Illumina Laboratory Services, Illumina
Classification: Uncertain significance for Lethal congenital contracture syndrome 1. Last evaluated: 2018-01-12. Review status: criteria provided, single submitter. Criteria: ICSL Variant Classification Criteria 13 December 2019. Collection method: clinical testing. Allele origin: germline.

NM_001003722.2(GLE1):c.-45T>C

Gene: GLE1 (GLE1 RNA export mediator; plus strand). Cytogenetic location: 9q34.11.
Variant type: single nucleotide variant.
Coding change: c.-45T>C on transcript NM_001003722.2 (MANE Select); 45 bases upstream of the start codon, T replaced by C.
Molecular consequence: 5 prime UTR variant.
Genome position (GRCh38, 1-based): chr9:128,504,761, T>C. VCF-style: chr9-128504761-T-C. GRCh37 (hg19) VCF-style: chr9-131267040-T-C.
Other names: c.-45T>C (NM_001499.2).
Identifiers: ClinVar variation 365130 (VCV000365130.6), dbSNP rs372008961, ClinGen allele CA5263420.